The following is an entry in ClinVar:

NM_001042492.3(NF1):c.3800dup (p.Leu1267fs)

Gene: NF1 (neurofibromin 1; plus strand). Cytogenetic location: 17q11.2.
Variant type: Duplication.
Coding change: c.3800dup on transcript NM_001042492.3 (MANE Select); coding-DNA position 3800, one base duplicated (T; older notation c.3800dupT).
Protein change: p.Leu1267fs; shifts the reading frame from leucine 1267.
Molecular consequence: frameshift variant.
Genome position (GRCh38, 1-based): chr17:31,235,702, T duplicated; the last of 2 consecutive T bases (chr17:31,235,701-31,235,702); duplicating either gives the same sequence. VCF-style (leftmost placement, unchanged base first): chr17-31235700-A-AT. GRCh37 (hg19) VCF-style: chr17-29562718-A-AT.
Other names: c.3800dup, p.Leu1267Phefs (NM_000267.4); short protein forms L1267fs.
Identifiers: ClinVar variation 3660056 (VCV003660056.2).

ClinVar aggregate classification (germline): Pathogenic (1 of 4 stars; one submission).

Conditions:
Neurofibromatosis, type 1 (NF1). Also called: Peripheral type neurofibromatosis; VON RECKLINGHAUSEN DISEASE; NEUROFIBROMATOSIS, TYPE I, SOMATIC; Neurofibromatosis, type I. Identifiers: Orphanet 636, MedGen C0027831, MONDO:0018975, OMIM 162200. Disease mechanism: loss of function.

Submission:

Labcorp Genetics (formerly Invitae), Labcorp
Classification: Pathogenic for Neurofibromatosis, type 1. Last evaluated: 2024-07-21. Review status: criteria provided, single submitter. Criteria: Invitae Variant Classification Sherloc (09022015). Collection method: clinical testing. Allele origin: germline.
Comment: This sequence change creates a premature translational stop signal (p.Leu1267Phefs*17) in the NF1 gene. It is expected to result in an absent or disrupted protein product. Loss-of-function variants in NF1 are known to be pathogenic (PMID: 10712197, 23913538). This variant is not present in population databases (gnomAD no frequency). This variant has not been reported in the literature in individuals affected with NF1-related conditions. For these reasons, this variant has been classified as Pathogenic.

Literature cited by the submitters: PubMed 10712197; PubMed 23913538.